The following is an entry in ClinVar:

NM_000038.6(APC):c.4979_4982dup (p.Ile1662fs)

Gene: APC (APC regulator of Wnt signaling pathway; plus strand). Cytogenetic location: 5q22.2.
Variant type: Duplication.
Coding change: c.4979_4982dup on transcript NM_000038.6 (MANE Select); coding-DNA positions 4979 to 4982, 4 bases duplicated (TAAC; older notation c.4979_4982dupTAAC).
Protein change: p.Ile1662fs; shifts the reading frame from isoleucine 1662.
Molecular consequence: frameshift variant.
Genome position (GRCh38, 1-based): chr5:112,840,573-112,840,576, TAAC duplicated; duplicating any 4 consecutive bases within chr5:112,840,572-112,840,576 gives the same sequence; the c. name uses the placement nearest the transcript's 3' end. VCF-style (leftmost placement, unchanged base first): chr5-112840571-T-TCTAA. GRCh37 (hg19) VCF-style: chr5-112176268-T-TCTAA.
Other names: c.4979_4982dup, p.Ile1662fs (NM_001127510.3, NM_001354895.2); c.4925_4928dup, p.Ile1644fs (NM_001127511.3); c.5033_5036dup, p.Ile1680fs (NM_001354896.2); c.5009_5012dup, p.Ile1672fs (NM_001354897.2); c.4904_4907dup, p.Ile1637fs (NM_001354898.2); c.4895_4898dup, p.Ile1634fs (NM_001354899.2); c.4856_4859dup, p.Ile1621fs (NM_001354900.2); c.4802_4805dup, p.Ile1603fs (NM_001354901.2); and 17 more; short protein forms I1379fs, I1536fs, I1561fs, I1603fs, I1634fs, I1672fs, I1644fs, I1662fs.
Identifiers: ClinVar variation 2198057 (VCV002198057.7), dbSNP rs2533612501, ClinGen allele CA2580072603.

ClinVar aggregate classification (germline): Pathogenic/Likely pathogenic. Review status: criteria provided, multiple submitters, no conflicts (2 of 4 stars). 3 submissions from 3 submitters: Pathogenic (2); Likely pathogenic (1). Last evaluated 2025-09-03.

Conditions:
Familial adenomatous polyposis 1 (FAP1). Also called: FAMILIAL ADENOMATOUS POLYPOSIS 1, ATTENUATED; POLYPOSIS, ADENOMATOUS INTESTINAL. Identifiers: MedGen C2713442, MONDO:0021056, OMIM 175100. Disease mechanism: loss of function.
Hereditary cancer-predisposing syndrome. Also called: Tumor predisposition; Hereditary neoplastic syndrome; Neoplastic Syndromes, Hereditary; Hereditary Cancer Syndrome. Identifiers: Orphanet 140162, MedGen C0027672, MeSH D009386, MONDO:0015356.

Submissions (3):

Ambry Genetics
Classification: Likely pathogenic for Hereditary cancer-predisposing syndrome. Last evaluated: 2025-09-03. Review status: criteria provided, single submitter. Criteria: Ambry Variant Classification Scheme 2023. Collection method: clinical testing. Allele origin: germline.
Comment: The c.4979_4982dupTAAC variant, located in coding exon 15 of the APC gene, results from a duplication of TAAC at nucleotide position 4979, causing a translational frameshift with a predicted alternate stop codon (p.I1662Nfs*8). This alteration occurs at the 3' terminus of theAPC gene, is not expected to trigger nonsense-mediated mRNA decay, and impacts the last 42% of the protein. However, premature stop codons are typically deleterious in nature, the impacted region is critical for protein function, and a significant portion of the protein is affected (Ambry internal data). This variant is considered to be rare based on population cohorts in the Genome Aggregation Database (gnomAD). Based on the majority of available evidence to date, this variant is likely to be pathogenic.

Myriad Genetics, Inc.
Classification: Pathogenic for Familial adenomatous polyposis 1. Last evaluated: 2023-05-12. Review status: criteria provided, single submitter. Criteria: Myriad Autosomal Dominant, Autosomal Recessive and X-Linked Classification Criteria (2023). Collection method: clinical testing. Allele origin: unknown.
Comment: This variant is considered pathogenic. This variant creates a frameshift predicted to result in premature protein truncation.

Labcorp Genetics (formerly Invitae), Labcorp
Classification: Pathogenic for Familial adenomatous polyposis 1. Last evaluated: 2022-01-01. Review status: criteria provided, single submitter. Criteria: Invitae Variant Classification Sherloc (09022015). Collection method: clinical testing. Allele origin: germline.
Comment: This variant is expected to disrupt the EB1 and HDLG binding sites, which mediate interactions with the cytoskeleton (PMID: 15311282, 17293347). While functional studies have not been performed to directly test the effect on APC protein function, this suggests that disruption of the C-terminal portion of the protein is functionally important. For these reasons, this variant has been classified as Pathogenic. A different truncation (p.Tyr2645Lysfs*14) that lies downstream of this variant has been determined to be pathogenic (PMID: 9824584, 1316610, 27081525, 8381579, 22135120, Invitae). This suggests that deletion of this region of the APC protein is causative of disease. This variant has not been reported in the literature in individuals affected with APC-related conditions. This variant is not present in population databases (gnomAD no frequency). This sequence change creates a premature translational stop signal (p.Ile1662Asnfs*8) in the APC gene. While this is not anticipated to result in nonsense mediated decay, it is expected to disrupt the last 1182 amino acid(s) of the APC protein.

Literature cited by the submitters: PubMed 15311282 (cited by Labcorp Genetics (formerly Invitae), Labcorp); PubMed 17293347 (cited by Labcorp Genetics (formerly Invitae), Labcorp); PubMed 9824584 (cited by Labcorp Genetics (formerly Invitae), Labcorp); PubMed 1316610 (cited by Labcorp Genetics (formerly Invitae), Labcorp); PubMed 27081525 (cited by Labcorp Genetics (formerly Invitae), Labcorp); PubMed 8381579 (cited by Labcorp Genetics (formerly Invitae), Labcorp); PubMed 22135120 (cited by Labcorp Genetics (formerly Invitae), Labcorp).